The following is an entry in ClinVar:

NM_003872.3(NRP2):c.1019C>T (p.Thr340Met)

Gene: NRP2 (neuropilin 2; plus strand). Cytogenetic location: 2q33.3.
Variant type: single nucleotide variant.
Coding change: c.1019C>T on transcript NM_003872.3 (MANE Select); coding-DNA position 1019, C replaced by T.
Protein change: p.Thr340Met; replaces threonine 340 with methionine.
Molecular consequence: missense variant.
Genome position (GRCh38, 1-based): chr2:205,727,919, C>T. VCF-style: chr2-205727919-C-T. GRCh37 (hg19) VCF-style: chr2-206592643-C-T.
Other names: c.1019C>T, p.Thr340Met (NM_018534.4, NM_201264.2, NM_201266.2 and 2 more transcripts); short protein forms T340M.
Identifiers: ClinVar variation 2634245 (VCV002634245.4), dbSNP rs150064130, ClinGen allele CA2068992.

ClinVar aggregate classification (germline): Uncertain significance. Review status: criteria provided, single submitter (1 of 4 stars). 2 submissions from 2 submitters: Uncertain significance (1). 1 of the submissions does not count toward it. Last evaluated 2024-07-11.

Conditions:
NRP2-related disorder. Also called: NRP2-related condition.

Allele frequency attached by ClinVar (database versions not stated): ESP Exome Variant Server 0.00015; 1000 Genomes Project 30x 0.00016; 1000 Genomes Project 0.00020; TOPMed 0.00022; gnomAD 0.00025; gnomAD exomes 0.00027; ExAC 0.00079.

Submissions (2):

Women's Health and Genetics/Laboratory Corporation of America, LabCorp
Classification: Uncertain significance. Last evaluated: 2024-07-11. Review status: criteria provided, single submitter. Criteria: LabCorp Variant Classification Summary - May 2015. Collection method: clinical testing. Allele origin: germline.
Comment: Variant summary: NRP2 c.1019C>T (p.Thr340Met) results in a non-conservative amino acid change in the encoded protein sequence. Five of five in-silico tools predict a damaging effect of the variant on protein function. The variant allele was found at a frequency of 0.00056 in 250848 control chromosomes. This frequency is not significantly higher than estimated for a pathogenic variant in NRP2 causing NRP2-Related Disorders, allowing no conclusion about variant significance. To our knowledge, no occurrence of c.1019C>T in individuals affected with NRP2-Related Disorders and no experimental evidence demonstrating its impact on protein function have been reported. ClinVar contains an entry for this variant (Variation ID: 2634245). Based on the evidence outlined above, the variant was classified as uncertain significance.

PreventionGenetics, part of Exact Sciences
Classification: Uncertain significance for NRP2-related condition. Last evaluated: 2024-01-31. Review status: no assertion criteria provided. Collection method: clinical testing. Allele origin: germline. Not counted in ClinVar's aggregate classification.
Comment: The NRP2 c.1019C>T variant is predicted to result in the amino acid substitution p.Thr340Met. To our knowledge, this variant has not been reported in the literature. This variant is reported in 0.11% of alleles in individuals of South Asian descent in gnomAD, which may be too common to be an undocumented primary cause of disease. Although we suspect that this variant may be benign, at this time, the clinical significance of this variant is uncertain due to the absence of conclusive functional and genetic evidence.